The following is an entry in ClinVar:

ClinVar aggregate classification (germline): Uncertain significance. Review status: reviewed by expert panel (3 of 4 stars). 3 submissions from 2 submitters: Uncertain significance (1). 2 of the submissions do not count toward it. Last evaluated 2026-02-04.

Conditions:
Glaucoma. Identifiers: MedGen C0017601, MONDO:0005041, HP:0000501.
Glaucoma 1, open angle, A (GLC1A). Also called: Glaucoma, Dominant (Juvenile Onset). Identifiers: Orphanet 98977, MedGen C1842028, MONDO:0007664, OMIM 137750.
Open-angle glaucoma. Identifiers: MedGen C0017612, MONDO:0005338, HP:0012108.

Allele frequency attached by ClinVar (database versions not stated): ExAC 0.00001; gnomAD 0.00001; gnomAD exomes 0.00001.

Submissions (3):

ClinGen Glaucoma Variant Curation Expert Panel
Classification: Uncertain significance for Open-angle glaucoma. Last evaluated: 2026-02-04. Review status: reviewed by expert panel. Criteria: ClinGen Glaucoma ACMG Specifications V2.0.0 Approved. Collection method: curation. Allele origin: germline. Inheritance: Autosomal dominant inheritance.
Comment: The c.1272G>C variant in MYOC is a missense variant predicted to cause substitution of Glutamine by Histidine at amino acid 424 (p.Gln424His). The highest minor allele frequency of this variant was in the European (non-Finnish) genetic ancestry group of gnomAD (v4.1.0) = 0.000005085 (6 alleles out of 1,180,038), which met the ≤ 0.0001 threshold set for PM2_Supporting in a genetic ancestry group of at least 10,000 alleles. The REVEL score = 0.49, which was neither above nor below the thresholds for PP3 (≥ 0.644) or BP4 (≤ 0.290), predicting a damaging or benign impact on MYOC function. There was no functional evidence predicting a damaging or benign impact of this variant on MYOC function. This variant was identified in laboratory based testing, but has not yet been found in a proband with juvenile or primary open angle glaucoma, thus PS4 did not apply. In summary, this variant met the criteria to receive a score of 1 and to be classified as a variant of uncertain significance (uncertain significance classification range -1 to 5, adapted from PMID: 32720330) for primary open angle glaucoma based on the ACMG/AMP criteria met, as specified by the ClinGen Glaucoma VCEP (v2.0.0, 5 Dec 2024): PM2_Supporting.

Illumina Laboratory Services, Illumina
Classification: Uncertain significance for Glaucoma. Last evaluated: 2018-01-12. Review status: criteria provided, single submitter. Criteria: ICSL Variant Classification Criteria 13 December 2019. Collection method: clinical testing. Allele origin: germline. Not counted in ClinVar's aggregate classification.

Illumina Laboratory Services, Illumina
Classification: Uncertain significance for Glaucoma 1, open angle, A. Last evaluated: 2018-01-12. Review status: criteria provided, single submitter. Criteria: ICSL Variant Classification Criteria 13 December 2019. Collection method: clinical testing. Allele origin: germline. Not counted in ClinVar's aggregate classification.

NM_000261.2(MYOC):c.1272G>C (p.Gln424His)

Gene: MYOC (myocilin; minus strand). Cytogenetic location: 1q24.3.
Variant type: single nucleotide variant.
Coding change: c.1272G>C on transcript NM_000261.2 (MANE Select); coding-DNA position 1272, G replaced by C.
Protein change: p.Gln424His; replaces glutamine 424 with histidine.
Molecular consequence: missense variant.
Genome position (GRCh38, 1-based): chr1:171,636,168, C>G on the plus strand (G>C on the coding strand, the complement: MYOC is on the minus strand). VCF-style: chr1-171636168-C-G. GRCh37 (hg19) VCF-style: chr1-171605308-C-G.
Other names: NM_000261.2(MYOC):c.1272G>C; p.Gln424His; short protein forms Q424H.
Identifiers: ClinVar variation 875954 (VCV000875954.6), dbSNP rs760065904, ClinGen allele CA1244051.